The following is an entry in ClinVar:

ClinVar aggregate classification (germline): Likely benign. Review status: criteria provided, multiple submitters, no conflicts (2 of 4 stars). 11 submissions from 8 submitters: Likely benign (11). Last evaluated 2025-10-22.

Conditions:
Congenital myopathy 18. Also called: Myopathy, congenital, due to dihydropyridine receptor defect; DIHYDROPYRIDINE RECEPTOR CONGENITAL MYOPATHY; DHPR CONGENITAL MYOPATHY. Identifiers: MedGen C5830283, MONDO:0859514, OMIM 620246.
Thyrotoxic periodic paralysis, susceptibility to, 1 (TTPP1). Identifiers: Orphanet 79102, MedGen C2749982, MONDO:0008570, OMIM 188580.
Hypokalemic periodic paralysis, type 1. Also called: HypoPP; Hypokalemic Periodic Paralysis Type 1 (AD). Identifiers: Orphanet 681, MedGen C3714580, MONDO:0042979, OMIM 170400.
Malignant hyperthermia, susceptibility to, 5 (MHS5). Also called: CACNA1S-Related Malignant Hyperthermia Susceptibility. Identifiers: Orphanet 423, MedGen C1866077, MONDO:0011163, OMIM 601887.

Allele frequency attached by ClinVar (database versions not stated): ExAC 0.00001; gnomAD exomes 0.00001 and 0.00003; TOPMed 0.00002; gnomAD 0.00003; ESP Exome Variant Server 0.00008.
gnomAD v4.1: 47 of 1,614,086 alleles (0.0029%); highest among the groups gnomAD compares: Middle Eastern, 0.049%; no homozygotes.

Submissions (11):

Labcorp Genetics (formerly Invitae), Labcorp
Classification: Likely benign for Hypokalemic periodic paralysis, type 1; Malignant hyperthermia, susceptibility to, 5. Last evaluated: 2025-10-22. Review status: criteria provided, single submitter. Criteria: Invitae Variant Classification Sherloc (09022015). Collection method: clinical testing. Allele origin: germline.

Blueprint Genetics
Classification: Likely benign. Last evaluated: 2024-11-25. Review status: criteria provided, single submitter. Criteria: ACMG Guidelines, 2015. Collection method: clinical testing. Allele origin: germline.

CeGaT Center for Human Genetics Tuebingen
Classification: Likely benign. Last evaluated: 2024-10-01. Review status: criteria provided, single submitter. Criteria: CeGaT Center For Human Genetics Tuebingen Variant Classification Criteria Version 2. Collection method: clinical testing. Allele origin: germline. Affected: yes. Observed: 1 variant allele.
Comment: CACNA1S: BP4, BP7

All of Us Research Program, National Institutes of Health
Classification: Likely benign for Malignant hyperthermia, susceptibility to, 5. Last evaluated: 2024-02-05. Review status: criteria provided, single submitter. Criteria: ACMG Guidelines, 2015. Collection method: clinical testing. Allele origin: germline. Inheritance: Autosomal dominant inheritance. Observed: 7 variant alleles, 7 heterozygotes.
Comment: This study involves interpretation of variants in research participants for the purpose of population health screening. Participant phenotype was not available at the time of variant classification. Additional details can be found in publication PMID: 35346344, PMCID: PMC8962531

Genome-Nilou Lab
Classification: Likely benign for Malignant hyperthermia, susceptibility to, 5. Last evaluated: 2023-04-11. Review status: criteria provided, single submitter. Criteria: ACMG Guidelines, 2015. Collection method: clinical testing. Allele origin: germline. Affected: no.

Genome-Nilou Lab
Classification: Likely benign for Thyrotoxic periodic paralysis, susceptibility to, 1. Last evaluated: 2023-04-11. Review status: criteria provided, single submitter. Criteria: ACMG Guidelines, 2015. Collection method: clinical testing. Allele origin: germline. Affected: no.

Genome-Nilou Lab
Classification: Likely benign for Congenital myopathy 18. Last evaluated: 2023-04-11. Review status: criteria provided, single submitter. Criteria: ACMG Guidelines, 2015. Collection method: clinical testing. Allele origin: germline. Affected: no.

Genome-Nilou Lab
Classification: Likely benign for Hypokalemic periodic paralysis, type 1. Last evaluated: 2023-04-11. Review status: criteria provided, single submitter. Criteria: ACMG Guidelines, 2015. Collection method: clinical testing. Allele origin: germline. Affected: no.

Color Diagnostics, LLC DBA Color Health
Classification: Likely benign for Malignant hyperthermia, susceptibility to, 5. Last evaluated: 2022-11-06. Review status: criteria provided, single submitter. Criteria: ACMG Guidelines, 2015. Collection method: clinical testing. Allele origin: germline.

Fulgent Genetics
Classification: Likely benign for Hypokalemic periodic paralysis, type 1; Thyrotoxic periodic paralysis, susceptibility to, 1; Malignant hyperthermia, susceptibility to, 5. Last evaluated: 2021-08-04. Review status: criteria provided, single submitter. Criteria: ACMG Guidelines, 2015. Collection method: clinical testing. Allele origin: unknown.

Breakthrough Genomics
Classification: Likely benign. Review status: criteria provided, single submitter. Criteria: ACMG Guidelines, 2015. Collection method: not provided. Allele origin: germline. Inheritance: Autosomal dominant inheritance. Affected: yes.

NM_000069.3(CACNA1S):c.4032T>C (p.Tyr1344=)

Gene: CACNA1S (calcium voltage-gated channel subunit alpha1 S; minus strand). Cytogenetic location: 1q32.1.
Variant type: single nucleotide variant.
Coding change: c.4032T>C on transcript NM_000069.3 (MANE Select); coding-DNA position 4032, T replaced by C.
Protein change: p.Tyr1344=; no amino-acid change (tyrosine 1344 retained).
Molecular consequence: synonymous variant.
Genome position (GRCh38, 1-based): chr1:201,051,065, A>G on the plus strand (T>C on the coding strand, the complement: CACNA1S is on the minus strand). VCF-style: chr1-201051065-A-G. GRCh37 (hg19) VCF-style: chr1-201020193-A-G.
Identifiers: ClinVar variation 705807 (VCV000705807.30), dbSNP rs138167275, ClinGen allele CA083045.
Genomic context (GRCh38, chr1:201,051,065, plus strand): 5'-GAAGCTGATGAAGTAGTAGTATGCAAAGTTGGTGCCACATGTGTACTCCTCCCCTGGGGC[A>G]TAGTCCGACTCTGGGTCACACAGCTTCCCATAGCTGCAGGCCAGTAGGATCTCCTGCCAG-3'
Protein context (NP_000060.2, residues 1334-1354): YGKLCDPESD[Tyr1344=]APGEEYTCGT